The following is an entry in ClinVar:

ClinVar aggregate classification (germline): Uncertain significance (1 of 4 stars; one submission).

Submission:

Laboratory for Molecular Medicine, Mass General Brigham Personalized Medicine
Classification: Uncertain significance. Last evaluated: 2014-08-26. Review status: criteria provided, single submitter. Criteria: LMM Criteria. Collection method: clinical testing. Allele origin: germline. Observed: 1 variant allele.
Comment: Variant classified as Uncertain Significance - Favor Benign. The Glu2116Gln vari ant in TECTA has not been previously reported in individuals with hearing loss o r in large population studies. The glutamic acid (Glu) at position 2116 is not c onserved in mammals or evolutionary distant species, raising the possibility tha t a change at this position may be tolerated. Additional computational predicti on tools suggest that the Glu2116Gln variant may not impact the protein, though this information is not predictive enough to rule out pathogenicity. In summary , while the clinical significance of the Glu2116Gln variant is uncertain, these data suggest that it is more likely to be benign.

NM_005422.4(TECTA):c.6346G>C (p.Glu2116Gln)

Genes: TBCEL-TECTA (TBCEL-TECTA readthrough; plus strand), TECTA (tectorin alpha; plus strand). Cytogenetic location: 11q23.3.
Variant type: single nucleotide variant.
Coding change: c.6346G>C on transcript NM_005422.4 (MANE Select); coding-DNA position 6346, G replaced by C.
Protein change: p.Glu2116Gln; replaces glutamic acid 2116 with glutamine.
Molecular consequence: missense variant.
Genome position (GRCh38, 1-based): chr11:121,189,859, G>C. VCF-style: chr11-121189859-G-C. GRCh37 (hg19) VCF-style: chr11-121060568-G-C.
Other names: c.7288G>C, p.Glu2430Gln (NM_001378761.1); short protein forms E2116Q, E2430Q.
Identifiers: ClinVar variation 165374 (VCV000165374.5), dbSNP rs372023989, ClinGen allele CA178119.